The following is an entry in ClinVar:

NM_018344.6(SLC29A3):c.914_915delinsTC (p.Thr305Ile)

Gene: SLC29A3 (solute carrier family 29 member 3; plus strand). Cytogenetic location: 10q22.1.
Variant type: Indel.
Coding change: c.914_915delinsTC on transcript NM_018344.6 (MANE Select); coding-DNA positions 914 to 915, CG replaced by TC.
Protein change: p.Thr305Ile; replaces threonine 305 with isoleucine.
Molecular consequence: missense variant. On other transcripts: 3 prime UTR variant (1), non-coding transcript variant (2).
Genome position (GRCh38, 1-based): chr10:71,362,094-71,362,095, CG replaced by TC. VCF-style: chr10-71362094-CG-TC. GRCh37 (hg19) VCF-style: chr10-73121851-CG-TC.
Other names: c.*143_*144delinsTC (NM_001174098.2); c.680_681delinsTC, p.Thr227Ile (NM_001363518.2); short protein forms T227I, T305I.
Identifiers: ClinVar variation 655961 (VCV000655961.5), dbSNP rs1589244189, ClinGen allele CA915947274.

ClinVar aggregate classification (germline): Uncertain significance (1 of 4 stars; one submission).

Conditions:
H syndrome. Also called: FAISALABAD HISTIOCYTOSIS; HISTIOCYTOSIS AND LYMPHADENOPATHY WITH OR WITHOUT CUTANEOUS, CARDIAC, AND/OR ENDOCRINE FEATURES, JOINT CONTRACTURES, AND/OR DEAFNESS; HYPERPIGMENTATION, CUTANEOUS, WITH HYPERTRICHOSIS, HEPATOSPLENOMEGALY, HEART ANOMALIES, AND HYPOGONADISM WITH OR WITHOUT HEARING LOSS; PIGMENTED HYPERTRICHOSIS WITH INSULIN-DEPENDENT DIABETES MELLITUS; ROSAI-DORFMAN DISEASE, FAMILIAL; SINUS HISTIOCYTOSIS AND MASSIVE LYMPHADENOPATHY. Identifiers: Orphanet 168569, MedGen C1864445, MONDO:0011273, OMIM 602782.

Submission:

Labcorp Genetics (formerly Invitae), Labcorp
Classification: Uncertain significance for H syndrome. Last evaluated: 2018-12-23. Review status: criteria provided, single submitter. Criteria: Invitae Variant Classification Sherloc (09022015). Collection method: clinical testing. Allele origin: germline.
Comment: In summary, the available evidence is currently insufficient to determine the role of this variant in disease. Therefore, it has been classified as a Variant of Uncertain Significance. Algorithms developed to predict the effect of missense changes on protein structure and function are either unavailable or do not agree on the potential impact of this missense change (SIFT: "Tolerated"; PolyPhen-2: "Possibly Damaging"; Align-GVGD: "Class C0"). This variant has not been reported in the literature in individuals with SLC29A3-related conditions. This variant is not present in population databases (ExAC no frequency). This sequence change replaces threonine¬†with isoleucine¬†at codon 305 of the SLC29A3 protein (p.Thr305Ile). The threonine residue is moderately conserved and there is a moderate physicochemical difference between threonine and isoleucine.